The following is an entry in ClinVar:

NM_001943.5(DSG2):c.430G>A (p.Glu144Lys)

Gene: DSG2 (desmoglein 2; plus strand). Cytogenetic location: 18q12.1.
Variant type: single nucleotide variant.
Coding change: c.430G>A on transcript NM_001943.5 (MANE Select); coding-DNA position 430, G replaced by A.
Protein change: p.Glu144Lys; replaces glutamic acid 144 with lysine.
Molecular consequence: missense variant.
Genome position (GRCh38, 1-based): chr18:31,521,150, G>A. VCF-style: chr18-31521150-G-A. GRCh37 (hg19) VCF-style: chr18-29101113-G-A.
Other names: p.E144K:GAG>AAG; c.430G>A (LRG_397t1); short protein forms E144K.
Identifiers: ClinVar variation 191626 (VCV000191626.26), dbSNP rs199842209, ClinGen allele CA022095.

ClinVar aggregate classification (germline): Conflicting classifications of pathogenicity. Review status: criteria provided, conflicting classifications (1 of 4 stars). 10 submissions from 10 submitters: Uncertain significance (9); Likely benign (1). Last evaluated 2025-12-27.

Conditions:
Cardiovascular phenotype. Identifiers: MedGen CN230736.
Arrhythmogenic right ventricular dysplasia 10. Also called: Arrhythmogenic Right Ventricular Dysplasia/Cardiomyopathy10; ARRHYTHMOGENIC RIGHT VENTRICULAR DYSPLASIA, FAMILIAL, 10; Arrhythmogenic right ventricular dysplasia/cardiomyopathy, type 10. Identifiers: MedGen C1857777, MONDO:0012434, OMIM 610193.
Dilated cardiomyopathy 1BB (CMD1BB). Also called: CARDIOMYOPATHY, DILATED, 1BB, SUSCEPTIBILITY TO. Identifiers: Orphanet 154, MedGen C2752072, MONDO:0013030, OMIM 612877.
Arrhythmogenic right ventricular cardiomyopathy (ARVD). Also called: Arrhythmogenic cardiomyopathy; Cardiomyopathy, ARVC; Arrhythmogenic right ventricular dysplasia; Arrhythmogenic Right Ventricular Cardiomyopathy (ARVC). Identifiers: Orphanet 247, MedGen C0349788, MeSH D019571, MONDO:0016587. Disease mechanism: loss of function. Inheritance: Various modes of inheritance.
Cardiomyopathy (CMYO). Also called: Cardiomyopathies. Identifiers: Orphanet 167848, MedGen C0878544, MONDO:0004994, HP:0001638. Inheritance: Various modes of inheritance.

Allele frequency attached by ClinVar (database versions not stated): ExAC 0.00006; gnomAD exomes 0.00006 and 0.00008; ESP Exome Variant Server 0.00008; TOPMed 0.00009; gnomAD 0.00013 and 0.00014.

Submissions (10):

Labcorp Genetics (formerly Invitae), Labcorp
Classification: Uncertain significance for Arrhythmogenic right ventricular dysplasia 10. Last evaluated: 2025-12-27. Review status: criteria provided, single submitter. Criteria: Invitae Variant Classification Sherloc (09022015). Collection method: clinical testing. Allele origin: germline.
Comment: This sequence change replaces glutamic acid, which is acidic and polar, with lysine, which is basic and polar, at codon 144 of the DSG2 protein (p.Glu144Lys). This variant is present in population databases (rs199842209, gnomAD 0.02%). This missense change has been observed in individual(s) with clinical features of arrhythmogenic right ventricular cardiomyopathy (PMID: 30391969, 31737537). ClinVar contains an entry for this variant (Variation ID: 191626). Invitae Evidence Modeling of protein sequence and biophysical properties (such as structural, functional, and spatial information, amino acid conservation, physicochemical variation, residue mobility, and thermodynamic stability) indicates that this missense variant is not expected to disrupt DSG2 protein function with a negative predictive value of 95%. In summary, the available evidence is currently insufficient to determine the role of this variant in disease. Therefore, it has been classified as a Variant of Uncertain Significance.

Ambry Genetics
Classification: Uncertain significance for Cardiovascular phenotype. Last evaluated: 2025-11-07. Review status: criteria provided, single submitter. Criteria: Ambry Variant Classification Scheme 2023. Collection method: clinical testing. Allele origin: germline.
Comment: The p.E144K variant (also known as c.430G>A), located in coding exon 5 of the DSG2 gene, results from a G to A substitution at nucleotide position 430. The glutamic acid at codon 144 is replaced by lysine, an amino acid with similar properties. This variant was reported in individual(s) with features consistent with arrhythmogenic right ventricular cardiomyopathy (ARVC) (Bidina L et al. Anatol J Cardiol, 2018 Nov;20:296-302; Marschall C et al. Cardiovasc Diagn Ther, 2019 Oct;9:S292-S298). This amino acid position is not well conserved in available vertebrate species. In addition, this alteration is predicted to be tolerated by in silico analysis. Since supporting evidence is limited at this time, the clinical significance of this alteration remains unclear.

GeneDx
Classification: Uncertain significance. Last evaluated: 2025-07-18. Review status: criteria provided, single submitter. Criteria: GeneDx Variant Classification Process June 2021. Collection method: clinical testing. Allele origin: germline. Affected: yes.
Comment: Identified in patients with ARVC in published literature; however, it has been described as a benign variant (PMID: 30391969, 31737537); In silico analysis suggests that this missense variant does not alter protein structure/function; This variant is associated with the following publications: (PMID: 23861362, 31737537, 30391969)

Molecular Diagnostic Laboratory for Inherited Cardiovascular Disease, Montreal Heart Institute
Classification: Uncertain significance for Cardiovascular phenotype. Last evaluated: 2025-04-09. Review status: criteria provided, single submitter. Criteria: ACMG Guidelines, 2015. Collection method: clinical testing. Allele origin: germline. Affected: yes.
Comment: PM1, BP4

Color Diagnostics, LLC DBA Color Health
Classification: Likely benign for Cardiomyopathy. Last evaluated: 2025-01-06. Review status: criteria provided, single submitter. Criteria: ACMG Guidelines, 2015. Collection method: clinical testing. Allele origin: germline.

Blueprint Genetics
Classification: Uncertain significance. Last evaluated: 2024-10-30. Review status: criteria provided, single submitter. Criteria: ACMG Guidelines, 2015. Collection method: clinical testing. Allele origin: germline.

All of Us Research Program, National Institutes of Health
Classification: Uncertain significance for Arrhythmogenic right ventricular cardiomyopathy. Last evaluated: 2024-02-05. Review status: criteria provided, single submitter. Criteria: ACMG Guidelines, 2015. Collection method: clinical testing. Allele origin: germline. Inheritance: Autosomal dominant inheritance. Observed: 40 variant alleles, 40 heterozygotes.
Comment: This missense variant replaces glutamic acid with lysine at codon 144 of the DSG2 protein. Computational prediction suggests that this variant may not impact protein structure and function (internally defined REVEL score threshold <= 0.5, PMID: 27666373). To our knowledge, functional studies have not been reported for this variant. This variant has been reported in two individuals affected with arrhythmogenic right ventricular cardiomyopathy (PMID: 30391969, 31737537), and in an exome sequencing participant not selected for arrhythmia, cardiomyopathy, or a family history of sudden death (PMID: 23861362). This variant has been identified in 26/280688 chromosomes in the general population by the Genome Aggregation Database (gnomAD). The available evidence is insufficient to determine the role of this variant in disease conclusively. Therefore, this variant is classified as a Variant of Uncertain Significance.

This study involves interpretation of variants in research participants for the purpose of population health screening. Participant phenotype was not available at the time of variant classification. Additional details can be found in publication PMID: 35346344, PMCID: PMC8962531

Women's Health and Genetics/Laboratory Corporation of America, LabCorp
Classification: Uncertain significance. Last evaluated: 2022-08-06. Review status: criteria provided, single submitter. Criteria: LabCorp Variant Classification Summary - May 2015. Collection method: clinical testing. Allele origin: germline.
Comment: Variant summary: DSG2 c.430G>A (p.Glu144Lys) results in a conservative amino acid change located in the Cadherin-like domain (IPR002126) of the encoded protein sequence. Four out of five in-silico tools predict a benign effect of the variant on protein function. The variant allele was found at a frequency of 5.6e-05 in 249328 control chromosomes (gnomAD). This frequency is not higher than estimated for a pathogenic variant in DSG2 causing Arrhythmogenic Right Ventricular Dysplasia/Cardiomyopathy (5.6e-05 vs 0.00025), allowing no conclusion about variant significance. c.430G>A has been reported in the literature in individuals with a cardiac related conditions however it was described as VUS and benign (examples: Ng_2013, Han_2014, Bidina_2018 and Marschall_2019). These reports do not provide unequivocal conclusions about association of the variant with Arrhythmogenic Right Ventricular Dysplasia/Cardiomyopathy. To our knowledge, no experimental evidence demonstrating an impact on protein function has been reported. Four clinical diagnostic laboratories have submitted clinical-significance assessments for this variant to ClinVar after 2014 and all classified the variant as uncertain significance. Based on the evidence outlined above, the variant was classified as uncertain significance.

Fulgent Genetics
Classification: Uncertain significance for Arrhythmogenic right ventricular dysplasia 10; Dilated cardiomyopathy 1BB. Last evaluated: 2021-11-20. Review status: criteria provided, single submitter. Criteria: ACMG Guidelines, 2015. Collection method: clinical testing. Allele origin: unknown.

Biesecker Lab/Clinical Genomics Section, National Institutes of Health
Classification: Uncertain significance. Last evaluated: 2013-06-24. Review status: criteria provided, single submitter. Criteria: Ng et al. (Circ Cardiovasc Genet. 2013). Collection method: research. Allele origin: unknown. Observed: 1 variant allele. Study: ClinSeq.
Comment: The study set was not selected for affection status in relation to any cancer. Pathogenicity categories were based on literature curation. See Pubmed ID:23861362 for details.

Medical sequencing

Literature cited by the submitters: PubMed 30391969 (cited by 4 submitters); PubMed 31737537 (cited by 4 submitters); PubMed 23861362 (cited by All of Us Research Program, National Institutes of Health and Women's Health and Genetics/Laboratory Corporation of America, LabCorp); PubMed 25209314 (cited by Women's Health and Genetics/Laboratory Corporation of America, LabCorp).